The following is an entry in ClinVar:

ClinVar aggregate classification (germline): Pathogenic (1 of 4 stars; one submission).

Conditions:
Neurofibromatosis, type 1 (NF1). Also called: VON RECKLINGHAUSEN DISEASE; NEUROFIBROMATOSIS, TYPE I, SOMATIC; Neurofibromatosis, type I; Peripheral type neurofibromatosis. Identifiers: Orphanet 636, MedGen C0027831, MONDO:0018975, OMIM 162200. Disease mechanism: loss of function.

Submission:

Labcorp Genetics (formerly Invitae), Labcorp
Classification: Pathogenic for Neurofibromatosis, type 1. Last evaluated: 2021-04-19. Review status: criteria provided, single submitter. Criteria: Invitae Variant Classification Sherloc (09022015). Collection method: clinical testing. Allele origin: germline.
Comment: For these reasons, this variant has been classified as Pathogenic. This variant has not been reported in the literature in individuals with NF1-related conditions. This variant is not present in population databases (ExAC no frequency). This sequence change creates a premature translational stop signal (p.Pro1691Trpfs*5) in the NF1 gene. It is expected to result in an absent or disrupted protein product. Loss-of-function variants in NF1 are known to be pathogenic (PMID: 10712197, 23913538).

Literature cited by the submitters: PubMed 10712197; PubMed 23913538.

NM_001042492.3(NF1):c.5134_5135del (p.Pro1712fs)

Gene: NF1 (neurofibromin 1; plus strand). Cytogenetic location: 17q11.2.
Variant type: Deletion.
Coding change: c.5134_5135del on transcript NM_001042492.3 (MANE Select); coding-DNA positions 5134 to 5135, 2 bases deleted (CC; older notation c.5134_5135delCC).
Protein change: p.Pro1712fs; shifts the reading frame from proline 1712.
Molecular consequence: frameshift variant.
Genome position (GRCh38, 1-based): chr17:31,326,118-31,326,119, CC deleted. VCF-style (leftmost placement, unchanged base first): chr17-31326117-TCC-T. GRCh37 (hg19) VCF-style: chr17-29653135-TCC-T.
Other names: c.5071_5072delCC, p.Pro1691Trpfs (NM_000267.4); short protein forms P1691fs, P1712fs.
Identifiers: ClinVar variation 1421906 (VCV001421906.6), dbSNP rs2151538635, ClinGen allele CA2573153376.